The following is an entry in ClinVar:

ClinVar aggregate classification (germline): Uncertain significance (1 of 4 stars; one submission).

Submission:

Ambry Genetics
Classification: Uncertain significance. Last evaluated: 2022-11-23. Review status: criteria provided, single submitter. Criteria: Ambry Variant Classification Scheme 2023. Collection method: clinical testing. Allele origin: germline.
Comment: The p.D1376Y variant (also known as c.4126G>T), located in coding exon 17 of the NPAT gene, results from a G to T substitution at nucleotide position 4126. The aspartic acid at codon 1376 is replaced by tyrosine, an amino acid with highly dissimilar properties. This amino acid position is conserved. In addition, this alteration is predicted to be tolerated by in silico analysis. Since supporting evidence is limited at this time, the clinical significance of this alteration remains unclear.

NM_002519.3(NPAT):c.4126G>T (p.Asp1376Tyr)

Gene: NPAT (nuclear protein, coactivator of histone transcription; minus strand). Cytogenetic location: 11q22.3.
Variant type: single nucleotide variant.
Coding change: c.4126G>T on transcript NM_002519.3 (MANE Select); coding-DNA position 4126, G replaced by T.
Protein change: p.Asp1376Tyr; replaces aspartic acid 1376 with tyrosine.
Molecular consequence: missense variant.
Genome position (GRCh38, 1-based): chr11:108,160,960, C>A on the plus strand (G>T on the coding strand, the complement: NPAT is on the minus strand). VCF-style: chr11-108160960-C-A. GRCh37 (hg19) VCF-style: chr11-108031687-C-A.
Other names: c.4147G>T, p.Asp1383Tyr (NM_001321307.1); short protein forms D1376Y, D1383Y.
Identifiers: ClinVar variation 2453736 (VCV002453736.2), dbSNP rs2496693129, ClinGen allele CA382509310.